The following is an entry in ClinVar:

NM_000303.3(PMM2):c.603T>C (p.Tyr201=)

Gene: PMM2 (phosphomannomutase 2; plus strand). Cytogenetic location: 16p13.2.
Variant type: single nucleotide variant.
Coding change: c.603T>C on transcript NM_000303.3 (MANE Select); coding-DNA position 603, T replaced by C.
Protein change: p.Tyr201=; no amino-acid change (tyrosine 201 retained).
Molecular consequence: synonymous variant.
Genome position (GRCh38, 1-based): chr16:8,813,070, T>C. VCF-style: chr16-8813070-T-C. GRCh37 (hg19) VCF-style: chr16-8906927-T-C.
Identifiers: ClinVar variation 2646182 (VCV002646182.27), dbSNP rs1202400777, ClinGen allele CA493514125.
Genomic context (GRCh38, chr16:8,813,070, plus strand): 5'-TGTCTTTCCTGATGGATGGGACAAGAGATACTGTCTGCGACATGTGGAAAATGACGGTTA[T>C]AAGACCATTTATTTCTTTGGAGACAAAACTATGCCAGTAAGTAGAGAAGTGTTTGTGCAC-3'
Protein context (NP_000294.1, residues 191-211): YCLRHVENDG[Tyr201=]KTIYFFGDKT

ClinVar aggregate classification (germline): Likely benign. Review status: criteria provided, multiple submitters, no conflicts (2 of 4 stars). 2 submissions from 2 submitters: Likely benign (2). Last evaluated 2025-06-12.

Conditions:
PMM2-congenital disorder of glycosylation. Also called: CDG Ia; JAEKEN SYNDROME; PHOSPHOMANNOMUTASE 2 DEFICIENCY; CARBOHYDRATE-DEFICIENT GLYCOPROTEIN SYNDROME, TYPE Ia; PMM2-CDG; Congenital disorder of glycosylation, type Ia. Identifiers: Orphanet 79318, MedGen C0349653, MONDO:0008907, OMIM 212065.

Allele frequency attached by ClinVar (database versions not stated): gnomAD 0.00001; TOPMed below 0.00001.
gnomAD v4.1: 1 of 1,610,962 alleles (0.000062%); highest among the groups gnomAD compares: African/African-American, 0.0013%; no homozygotes.

Submissions (2):

Labcorp Genetics (formerly Invitae), Labcorp
Classification: Likely benign for PMM2-congenital disorder of glycosylation. Last evaluated: 2025-06-12. Review status: criteria provided, single submitter. Criteria: Invitae Variant Classification Sherloc (09022015). Collection method: clinical testing. Allele origin: germline.

CeGaT Center for Human Genetics Tuebingen
Classification: Likely benign. Last evaluated: 2022-09-01. Review status: criteria provided, single submitter. Criteria: CeGaT Center For Human Genetics Tuebingen Variant Classification Criteria Version 2. Collection method: clinical testing. Allele origin: germline. Affected: yes. Observed: 1 variant allele.
Comment: PMM2: BP4, BP7